The following is an entry in ClinVar:

ClinVar aggregate classification (germline): Uncertain significance. Review status: criteria provided, multiple submitters, no conflicts (2 of 4 stars). 4 submissions from 4 submitters: Uncertain significance (4). Last evaluated 2026-02-13.

Conditions:
Autosomal recessive Alport syndrome (ATS2). Also called: COL4A3-Related Nephropathy; ALPORT SYNDROME 2, AUTOSOMAL RECESSIVE; Alport syndrome type 2; COL4A4 Alport Syndrome and Thin Basement Membrane Nephropathy. Identifiers: Orphanet 63, Orphanet 88919, MedGen C4746745, MONDO:0008762, OMIM 203780.
Hematuria, benign familial, 1 (BFH1). Also called: THIN MEMBRANE NEPHROPATHY. Identifiers: MedGen CN376803, MONDO:0007709, OMIM 141200.
Alport syndrome. Also called: Hemorrhagic familial nephritis; Hemorrhagic hereditary nephritis; Congenital hereditary hematuria. Identifiers: Orphanet 63, MedGen C1567741, MONDO:0018965.

Allele frequency attached by ClinVar (database versions not stated): gnomAD 0.00001; TOPMed 0.00001; gnomAD exomes 0.00003.
gnomAD v4.1: 47 of 1,613,114 alleles (0.0029%); highest among the groups gnomAD compares: Non-Finnish European, 0.0037%; no homozygotes.

Submissions (4):

GeneDx
Classification: Uncertain significance. Last evaluated: 2026-02-13. Review status: criteria provided, single submitter. Criteria: GeneDx Variant Classification Process June 2021. Collection method: clinical testing. Allele origin: germline.
Comment: Not observed at significant frequency in large population cohorts (gnomAD); In silico analysis supports that this missense variant has a deleterious effect on protein structure/function; Has not been previously published as pathogenic or benign to our knowledge; Occurs in the triple helical domain at the X position in the canonical Gly-X-Y repeat; although this variant may have an effect on normal protein folding and function, missense substitution at the X position is not a common mechanism of disease

Labcorp Genetics (formerly Invitae), Labcorp
Classification: Uncertain significance. Last evaluated: 2025-11-01. Review status: criteria provided, single submitter. Criteria: Invitae Variant Classification Sherloc (09022015). Collection method: clinical testing. Allele origin: germline.
Comment: This sequence change replaces proline, which is neutral and non-polar, with serine, which is neutral and polar, at codon 655 of the COL4A4 protein (p.Pro655Ser). This variant is not present in population databases (gnomAD no frequency). This variant has not been reported in the literature in individuals affected with COL4A4-related conditions. ClinVar contains an entry for this variant (Variation ID: 334727). Invitae Evidence Modeling of protein sequence and biophysical properties (such as structural, functional, and spatial information, amino acid conservation, physicochemical variation, residue mobility, and thermodynamic stability) indicates that this missense variant is not expected to disrupt COL4A4 protein function with a negative predictive value of 95%. In summary, the available evidence is currently insufficient to determine the role of this variant in disease. Therefore, it has been classified as a Variant of Uncertain Significance.

Fulgent Genetics
Classification: Uncertain significance for Hematuria, benign familial, 1; Autosomal recessive Alport syndrome. Last evaluated: 2024-04-03. Review status: criteria provided, single submitter. Criteria: ACMG Guidelines, 2015. Collection method: clinical testing. Allele origin: germline.

Illumina Laboratory Services, Illumina
Classification: Uncertain significance for Alport syndrome. Last evaluated: 2018-01-12. Review status: criteria provided, single submitter. Criteria: ICSL Variant Classification Criteria 13 December 2019. Collection method: clinical testing. Allele origin: germline.

NM_000092.5(COL4A4):c.1963C>T (p.Pro655Ser)

Gene: COL4A4 (collagen type IV alpha 4 chain; minus strand). Cytogenetic location: 2q36.3.
Variant type: single nucleotide variant.
Coding change: c.1963C>T on transcript NM_000092.5 (MANE Select); coding-DNA position 1963, C replaced by T.
Protein change: p.Pro655Ser; replaces proline 655 with serine.
Molecular consequence: missense variant.
Genome position (GRCh38, 1-based): chr2:227,077,918, G>A on the plus strand (C>T on the coding strand, the complement: COL4A4 is on the minus strand). VCF-style: chr2-227077918-G-A. GRCh37 (hg19) VCF-style: chr2-227942634-G-A.
Other names: short protein forms P655S.
Identifiers: ClinVar variation 334727 (VCV000334727.9), dbSNP rs886055726, ClinGen allele CA10612663.